The following is an entry in ClinVar:

ClinVar aggregate classification (germline): Uncertain significance (1 of 4 stars; one submission).

Conditions:
Joubert syndrome. Also called: CEREBELLOPARENCHYMAL DISORDER IV; JOUBERT-BOLTSHAUSER SYNDROME; Familial aplasia of the vermis. Identifiers: Orphanet 475, MedGen C5979921, MONDO:0018772.
Meckel-Gruber syndrome. Also called: DYSENCEPHALIA SPLANCHNOCYSTICA; GRUBER SYNDROME; Dysencephalia splachnocystica. Identifiers: Orphanet 564, MedGen C0265215, MONDO:0018921.

Allele frequency attached by ClinVar (database versions not stated): gnomAD exomes below 0.00001 and 0.00001; gnomAD 0.00001.

Submission:

Labcorp Genetics (formerly Invitae), Labcorp
Classification: Uncertain significance for Joubert syndrome; Meckel-Gruber syndrome. Last evaluated: 2024-11-05. Review status: criteria provided, single submitter. Criteria: Invitae Variant Classification Sherloc (09022015). Collection method: clinical testing. Allele origin: germline.
Comment: This sequence change replaces methionine, which is neutral and non-polar, with threonine, which is neutral and polar, at codon 121 of the B9D1 protein (p.Met121Thr). This variant is present in population databases (no rsID available, gnomAD 0.0009%). This variant has not been reported in the literature in individuals affected with B9D1-related conditions. ClinVar contains an entry for this variant (Variation ID: 1354920). An algorithm developed to predict the effect of missense changes on protein structure and function (PolyPhen-2) suggests that this variant¬¨‚Ä†is likely to be tolerated. In summary, the available evidence is currently insufficient to determine the role of this variant in disease. Therefore, it has been classified as a Variant of Uncertain Significance.

NM_015681.6(B9D1):c.362T>C (p.Met121Thr)

Gene: B9D1 (B9 domain containing 1; minus strand). Cytogenetic location: 17p11.2.
Variant type: single nucleotide variant.
Coding change: c.362T>C on transcript NM_015681.6 (MANE Select); coding-DNA position 362, T replaced by C.
Protein change: p.Met121Thr; replaces methionine 121 with threonine.
Molecular consequence: missense variant. On other transcripts: initiator codon variant (1).
Genome position (GRCh38, 1-based): chr17:19,347,311, A>G on the plus strand (T>C on the coding strand, the complement: B9D1 is on the minus strand). VCF-style: chr17-19347311-A-G. GRCh37 (hg19) VCF-style: chr17-19250624-A-G.
Other names: c.362T>C, p.Met121Thr (NM_001321214.2, NM_001321215.3, NM_001321216.2 and 4 more transcripts); c.2T>C, p.Met1Thr (NM_001368769.2); short protein forms M121T, M1T.
Identifiers: ClinVar variation 1354920 (VCV001354920.10), dbSNP rs1177935761, ClinGen allele CA398695916.